The following is an entry in ClinVar:

NM_001161352.2(KCNMA1):c.2894A>C (p.Asn965Thr)

Genes: KCNMA1 (potassium calcium-activated channel subfamily M alpha 1; minus strand), KCNMA1-AS1 (KCNMA1 antisense RNA 1; plus strand). Cytogenetic location: 10q22.3.
Variant type: single nucleotide variant.
Coding change: c.2894A>C on transcript NM_001161352.2 (MANE Select); coding-DNA position 2894, A replaced by C.
Protein change: p.Asn965Thr; replaces asparagine 965 with threonine.
Molecular consequence: missense variant.
Genome position (GRCh38, 1-based): chr10:76,944,781, T>G on the plus strand (A>C on the coding strand, the complement: KCNMA1 is on the minus strand). VCF-style: chr10-76944781-T-G. GRCh37 (hg19) VCF-style: chr10-78704539-T-G.
Other names: c.2732A>C, p.Asn911Thr (NM_001014797.3, NM_001322835.2, NM_001322837.2); c.2843A>C, p.Asn948Thr (NM_001161353.2); c.2570A>C, p.Asn857Thr (NM_001271518.2); c.2729A>C, p.Asn910Thr (NM_001271519.2, NM_001322829.2, NM_001322836.2); c.2741A>C, p.Asn914Thr (NM_001322830.2); c.2720A>C, p.Asn907Thr (NM_001322832.2, NM_001410940.1, NM_002247.4); c.2267A>C, p.Asn756Thr (NM_001322838.2); c.2852A>C, p.Asn951Thr (NM_001437422.1); and 1 more; short protein forms N756T, N965T, N907T, N910T, N911T, N914T, N936T, N948T.
Identifiers: ClinVar variation 4997654 (VCV004997654.1).

ClinVar aggregate classification (germline): Uncertain significance (1 of 4 stars; one submission).

Conditions:
KCNMA1-related disorder. Also called: KCNMA1-related disorders; KCNMA1-related condition.

gnomAD v4.1: 1 of 1,614,064 alleles (0.000062%); highest among the groups gnomAD compares: East Asian, 0.0022%; no homozygotes.

Submission:

PreventionGenetics, part of Exact Sciences
Classification: Uncertain significance for KCNMA1-related condition. Last evaluated: 2025-06-20. Review status: criteria provided, single submitter. Criteria: ACMG Guidelines, 2015. Collection method: clinical testing. Allele origin: germline.
Comment: The KCNMA1 c.2720A>C variant is predicted to result in the amino acid substitution p.Asn907Thr. To our knowledge, this variant has not been reported in the literature. This variant is reported in 0.0054% of alleles in individuals of East Asian descent in gnomAD. At this time, the clinical significance of this variant is uncertain due to the absence of conclusive functional and genetic evidence.